The following is an entry in ClinVar:

ClinVar aggregate classification (germline): Uncertain significance (1 of 4 stars; one submission).

Conditions:
Hereditary cancer-predisposing syndrome. Also called: Hereditary neoplastic syndrome; Hereditary Cancer Syndrome; Neoplastic Syndromes, Hereditary; Tumor predisposition. Identifiers: Orphanet 140162, MedGen C0027672, MeSH D009386, MONDO:0015356.

Submission:

Ambry Genetics
Classification: Uncertain significance for Hereditary cancer-predisposing syndrome. Last evaluated: 2023-03-25. Review status: criteria provided, single submitter. Criteria: Ambry Variant Classification Scheme 2023. Collection method: clinical testing. Allele origin: germline.
Comment: The p.D105H variant (also known as c.313G>C), located in coding exon 2 of the CDK4 gene, results from a G to C substitution at nucleotide position 313. The aspartic acid at codon 105 is replaced by histidine, an amino acid with similar properties. This amino acid position is conserved. In addition, this alteration is predicted to be tolerated by in silico analysis. Since supporting evidence is limited at this time, the clinical significance of this alteration remains unclear.

NM_000075.4(CDK4):c.313G>C (p.Asp105His)

Gene: CDK4 (cyclin dependent kinase 4; minus strand). Cytogenetic location: 12q14.1.
Variant type: single nucleotide variant.
Coding change: c.313G>C on transcript NM_000075.4 (MANE Select); coding-DNA position 313, G replaced by C.
Protein change: p.Asp105His; replaces aspartic acid 105 with histidine.
Molecular consequence: missense variant.
Genome position (GRCh38, 1-based): chr12:57,751,248, C>G on the plus strand (G>C on the coding strand, the complement: CDK4 is on the minus strand). VCF-style: chr12-57751248-C-G. GRCh37 (hg19) VCF-style: chr12-58145031-C-G.
Other names: short protein forms D105H.
Identifiers: ClinVar variation 2566770 (VCV002566770.2), dbSNP rs2540902352, ClinGen allele CA385547745.
Genomic context (GRCh38, chr12:57,751,248, plus strand): 5'-GCCTACCAACCCCACTCACCTTGATCGTTTCGGCTGGCAAGCCTGGTGGGGGTGCCTTGT[C>G]CAGATATGTCCTTAGGTCCTGGTCTACATGCTCAAACACCAGGGTTACCTTGATCTCCCG-3'
Protein context (NP_000066.1, residues 95-115): HVDQDLRTYL[Asp105His]KAPPPGLPAE